The following is an entry in ClinVar:

ClinVar aggregate classification (germline): Uncertain significance (1 of 4 stars; one submission).

Conditions:
Fanconi anemia complementation group O. Also called: RAD51C-Related Fanconi Anemia. Identifiers: Orphanet 84, MedGen C3150653, MONDO:0013248, OMIM 613390.

Submission:

Labcorp Genetics (formerly Invitae), Labcorp
Classification: Uncertain significance for Fanconi anemia complementation group O. Last evaluated: 2021-06-27. Review status: criteria provided, single submitter. Criteria: Invitae Variant Classification Sherloc (09022015). Collection method: clinical testing. Allele origin: germline.
Comment: In summary, the available evidence is currently insufficient to determine the role of this variant in disease. Therefore, it has been classified as a Variant of Uncertain Significance. This variant, c.499_501del, results in the deletion of 1 amino acid(s) of the RAD51C protein (p.Asp167del), but otherwise preserves the integrity of the reading frame. This variant is not present in population databases (ExAC no frequency). This variant has not been reported in the literature in individuals with RAD51C-related conditions. Experimental studies and prediction algorithms are not available or were not evaluated, and the functional significance of this variant is currently unknown.

NM_058216.3(RAD51C):c.499_501del (p.Asp167del)

Gene: RAD51C (RAD51 paralog C; plus strand). Cytogenetic location: 17q22.
Variant type: Deletion.
Coding change: c.499_501del on transcript NM_058216.3 (MANE Select); coding-DNA positions 499 to 501, 3 bases deleted (GAT; older notation c.499_501delGAT).
Protein change: p.Asp167del; deletes aspartic acid 167.
Molecular consequence: inframe deletion.
Genome position (GRCh38, 1-based): chr17:58,696,787-58,696,789, GAT deleted; deleting any 3 consecutive bases within chr17:58,696,786-58,696,789 gives the same sequence; the c. name uses the placement nearest the transcript's 3' end. VCF-style (leftmost placement, unchanged base first): chr17-58696785-TTGA-T. GRCh37 (hg19) VCF-style: chr17-56774146-TTGA-T.
Other names: short protein forms D167del.
Identifiers: ClinVar variation 1364127 (VCV001364127.8), dbSNP rs2143747370, ClinGen allele CA2573154420.